The following is an entry in ClinVar:

ClinVar aggregate classification (germline): Uncertain significance. Review status: criteria provided, multiple submitters, no conflicts (2 of 4 stars). 2 submissions from 2 submitters: Uncertain significance (2). Last evaluated 2022-11-23.

Allele frequency attached by ClinVar (database versions not stated): gnomAD exomes 0.00003 and 0.00009; ExAC 0.00011; 1000 Genomes Project 30x 0.00016; 1000 Genomes Project 0.00020; gnomAD 0.00029; TOPMed 0.00037; ESP Exome Variant Server 0.00051.
gnomAD v4.1: 93 of 1,611,546 alleles (0.0058%); highest among the groups gnomAD compares: African/African-American, 0.1%; no homozygotes.

Submissions (2):

GeneDx
Classification: Uncertain significance. Last evaluated: 2022-11-23. Review status: criteria provided, single submitter. Criteria: GeneDx Variant Classification Process June 2021. Collection method: clinical testing. Allele origin: germline. Affected: yes.
Comment: In silico analysis supports that this missense variant has a deleterious effect on protein structure/function; Has not been previously published as pathogenic or benign to our knowledge

Labcorp Genetics (formerly Invitae), Labcorp
Classification: Uncertain significance. Last evaluated: 2022-05-10. Review status: criteria provided, single submitter. Criteria: Invitae Variant Classification Sherloc (09022015). Collection method: clinical testing. Allele origin: germline.
Comment: This sequence change replaces lysine, which is basic and polar, with asparagine, which is neutral and polar, at codon 279 of the EFL1 protein (p.Lys279Asn). This variant is present in population databases (rs201344719, gnomAD 0.1%). This variant has not been reported in the literature in individuals affected with EFL1-related conditions. Algorithms developed to predict the effect of missense changes on protein structure and function are either unavailable or do not agree on the potential impact of this missense change (SIFT: "Tolerated"; PolyPhen-2: "Possibly Damaging"; Align-GVGD: "Class C0"). In summary, the available evidence is currently insufficient to determine the role of this variant in disease. Therefore, it has been classified as a Variant of Uncertain Significance.

NM_024580.6(EFL1):c.837G>T (p.Lys279Asn)

Gene: EFL1 (elongation factor like GTPase 1; minus strand). Cytogenetic location: 15q25.2.
Variant type: single nucleotide variant.
Coding change: c.837G>T on transcript NM_024580.6 (MANE Select); coding-DNA position 837, G replaced by T.
Protein change: p.Lys279Asn; replaces lysine 279 with asparagine.
Molecular consequence: missense variant. On other transcripts: non-coding transcript variant (1).
Genome position (GRCh38, 1-based): chr15:82,230,866, C>A on the plus strand (G>T on the coding strand, the complement: EFL1 is on the minus strand). VCF-style: chr15-82230866-C-A. GRCh37 (hg19) VCF-style: chr15-82523207-C-A.
Other names: c.684G>T, p.Lys228Asn (NM_001040610.3); c.48G>T, p.Lys16Asn (NM_001322844.2); c.837G>T, p.Lys279Asn (NM_001322845.2); c.837G>T (NM_024580.5); short protein forms K16N, K279N, K228N.
Identifiers: ClinVar variation 1444284 (VCV001444284.3), dbSNP rs201344719, ClinGen allele CA7698184.
Genomic context (GRCh38, chr15:82,230,866, plus strand): 5'-AAGAATATGACCAACAACCAAAAGGGACATATACCACATTACCTGATCACCCTTCATGAT[C>A]TTTTTAGCCTTCATATTTATATAGTAATCTCCCCACAAGGTTTTCATAAGAACTTCCTTT-3'
Protein context (NP_078856.4, residues 269-289): GDYYINMKAK[Lys279Asn]IMKGDQAKGK